The following is an entry in ClinVar:

ClinVar aggregate classification (germline): Likely pathogenic (1 of 4 stars; one submission).

Conditions:
Intellectual disability. Also called: Intellectual functioning disability; intellectual disabilities; Intellectual developmental disorder. Identifiers: MedGen C3714756, MeSH D008607, MONDO:0001071, HP:0001249.

Submission:

Laboratorio de Genetica e Diagnostico Molecular, Hospital Israelita Albert Einstein
Classification: Likely pathogenic for Intellectual disability. Last evaluated: 2025-09-17. Review status: criteria provided, single submitter. Criteria: ACMG Guidelines, 2015. Collection method: clinical testing. Allele origin: germline. Affected: yes.
Comment: The ZFHX3 gene is listed in the OMIM database as being associated with susceptibility to atrial fibrillation type 8 (MIM 613055) and spinocerebellar ataxia type 4 (MIM 600223), the latter being inherited in an autosomal dominant manner and resulting from the presence of a pathogenic GGC trinucleotide expansion. However, a recent publication (PMID: 38412861) suggests that a form of syndromic intellectual disability may result from haploinsufficiency of the ZFHX3 gene. ACMG classification criteria: PVS1 very strong, PM2 supporting.

NM_006885.4(ZFHX3):c.5396_5397del (p.Pro1799fs)

Genes: ZFHX3 (zinc finger homeobox 3; minus strand), ZFHX3-AS1 (ZFHX3 antisense RNA 1; plus strand). Cytogenetic location: 16q22.2.
Variant type: Deletion.
Coding change: c.5396_5397del on transcript NM_006885.4 (MANE Select); coding-DNA positions 5396 to 5397, 2 bases deleted (CT; older notation c.5396_5397delCT).
Protein change: p.Pro1799fs; shifts the reading frame from proline 1799.
Molecular consequence: frameshift variant.
Genome position (GRCh38, 1-based): chr16:72,797,285-72,797,286, AG deleted on the plus strand (CT on the coding strand, the reverse complement: ZFHX3 is on the minus strand). VCF-style (leftmost placement, unchanged base first): chr16-72797284-AAG-A. GRCh37 (hg19) VCF-style: chr16-72831183-AAG-A.
Other names: c.2654_2655del, p.Pro885fs (NM_001164766.2); c.5396_5397del, p.Pro1799fs (NM_001386735.1); short protein forms P1799fs, P885fs.
Identifiers: ClinVar variation 4076339 (VCV004076339.2).